The following is an entry in ClinVar:

ClinVar aggregate classification (germline): Conflicting classifications of pathogenicity. Review status: criteria provided, conflicting classifications (1 of 4 stars). 5 submissions from 5 submitters: Pathogenic (1); Likely pathogenic (2); Uncertain significance (1). 1 of the submissions does not count toward it. Last evaluated 2025-07-02.

Conditions:
Glycine encephalopathy. Also called: Non-ketotic hyperglycinemia; Nonketotic hyperglycinemia. Identifiers: Orphanet 407, MedGen C0751748, MONDO:0011612, HP:0008288.
Glycine encephalopathy 1 (GCE1). Identifiers: MedGen CN376801, MONDO:0958179, OMIM 605899.

Allele frequency attached by ClinVar (database versions not stated): gnomAD exomes below 0.00001; TOPMed 0.00002.
gnomAD v4.1: 1 of 1,614,148 alleles (0.000062%); highest among the groups gnomAD compares: Admixed American, 0.0017%; no homozygotes.

Submissions (5):

Women's Health and Genetics/Laboratory Corporation of America, LabCorp
Classification: Uncertain significance. Last evaluated: 2025-07-02. Review status: criteria provided, single submitter. Criteria: LabCorp Variant Classification Summary - May 2015. Collection method: clinical testing. Allele origin: germline.
Comment: Variant summary: AMT c.515T>C (p.Leu172Pro) results in a non-conservative amino acid change in the encoded protein sequence. Algorithms developed to predict the effect of missense changes on protein structure and function all suggest that this variant is likely to be disruptive. The variant was absent in 251496 control chromosomes. c.515T>C has been observed in individual(s) affected with Glycine Encephalopathy (Non-Ketotic Hyperglycinemia) (example: Swanson_2015, Shelkowitz_2022, internal data). These data indicate that the variant may be associated with disease. To our knowledge, no experimental evidence demonstrating an impact on protein function has been reported. The following publications have been ascertained in the context of this evaluation (PMID: 26179960,36471344). ClinVar contains an entry for this variant (Variation ID: 558446). Based on the evidence outlined above, the variant was classified as VUS-possibly pathogenic.

Labcorp Genetics (formerly Invitae), Labcorp
Classification: Pathogenic for Glycine encephalopathy. Last evaluated: 2024-08-11. Review status: criteria provided, single submitter. Criteria: Invitae Variant Classification Sherloc (09022015). Collection method: clinical testing. Allele origin: germline.
Comment: This sequence change replaces leucine, which is neutral and non-polar, with proline, which is neutral and non-polar, at codon 172 of the AMT protein (p.Leu172Pro). This variant is not present in population databases (gnomAD no frequency). This missense change has been observed in individual(s) with nonketotic hyperglycinemia (PMID: 26179960; Invitae). In at least one individual the data is consistent with being in trans (on the opposite chromosome) from a pathogenic variant. ClinVar contains an entry for this variant (Variation ID: 558446). Advanced modeling of protein sequence and biophysical properties (such as structural, functional, and spatial information, amino acid conservation, physicochemical variation, residue mobility, and thermodynamic stability) has been performed at Invitae for this missense variant, however the output from this modeling did not meet the statistical confidence thresholds required to predict the impact of this variant on AMT protein function. For these reasons, this variant has been classified as Pathogenic.

GeneDx
Classification: Likely pathogenic. Last evaluated: 2024-02-22. Review status: criteria provided, single submitter. Criteria: GeneDx Variant Classification Process June 2021. Collection method: clinical testing. Allele origin: germline. Affected: yes.
Comment: Not observed at significant frequency in large population cohorts (gnomAD); In silico analysis supports that this missense variant has a deleterious effect on protein structure/function; This variant is associated with the following publications: (PMID: 26179960, 36471344)

Baylor Genetics
Classification: Likely pathogenic for Glycine encephalopathy 1. Last evaluated: 2024-01-02. Review status: criteria provided, single submitter. Criteria: ACMG Guidelines, 2015. Collection method: clinical testing. Allele origin: unknown.

Counsyl
Classification: Uncertain significance for Glycine encephalopathy 1. Last evaluated: 2018-05-22. Review status: no assertion criteria provided. Collection method: clinical testing. Allele origin: unknown. Not counted in ClinVar's aggregate classification.

Literature cited by the submitters: PubMed 26179960 (cited by 3 submitters); PubMed 36471344 (cited by Women's Health and Genetics/Laboratory Corporation of America, LabCorp).

NM_000481.4(AMT):c.515T>C (p.Leu172Pro)

Gene: AMT (aminomethyltransferase; minus strand). Cytogenetic location: 3p21.31.
Variant type: single nucleotide variant.
Coding change: c.515T>C on transcript NM_000481.4 (MANE Select); coding-DNA position 515, T replaced by C.
Protein change: p.Leu172Pro; replaces leucine 172 with proline.
Molecular consequence: missense variant. On other transcripts: non-coding transcript variant (1).
Genome position (GRCh38, 1-based): chr3:49,419,745, A>G on the plus strand (T>C on the coding strand, the complement: AMT is on the minus strand). VCF-style: chr3-49419745-A-G. GRCh37 (hg19) VCF-style: chr3-49457178-A-G.
Other names: c.383T>C, p.Leu128Pro (NM_001164710.2); c.347T>C, p.Leu116Pro (NM_001164711.2); c.515T>C, p.Leu172Pro (NM_001164712.2); short protein forms L172P, L116P, L128P.
Identifiers: ClinVar variation 558446 (VCV000558446.11), dbSNP rs1366977126, ClinGen allele CA352790421.
Genomic context (GRCh38, chr3:49,419,745, plus strand): 5'-TCCAACCCCAGCCCAGCCCTCTCACCTTGCAGAGCTAGCAGGGCATTATCCAACACCTCC[A>G]GGCCCACATCTCTGCCCTGGTTCTGAAGCTCCCTGACCTTGTCCTAAAAGACAGAAACAC-3'
Protein context (NP_000472.2, residues 162-182): ELQNQGRDVG[Leu172Pro]EVLDNALLAL